The following is an entry in ClinVar:

ClinVar aggregate classification (germline): Uncertain significance. Review status: criteria provided, multiple submitters, no conflicts (2 of 4 stars). 2 submissions from 2 submitters: Uncertain significance (2). Last evaluated 2025-10-23.

gnomAD v4.1: 27 of 1,613,858 alleles (0.0017%); highest among the groups gnomAD compares: East Asian, 0.0067%; no homozygotes.

Submissions (2):

Labcorp Genetics (formerly Invitae), Labcorp
Classification: Uncertain significance. Last evaluated: 2025-10-23. Review status: criteria provided, single submitter. Criteria: Invitae Variant Classification Sherloc (09022015). Collection method: clinical testing. Allele origin: germline.
Comment: This sequence change replaces arginine, which is basic and polar, with serine, which is neutral and polar, at codon 323 of the NYNRIN protein (p.Arg323Ser). This variant is present in population databases (rs113119792, gnomAD 0.02%). This variant has not been reported in the literature in individuals affected with NYNRIN-related conditions. ClinVar contains an entry for this variant (Variation ID: 2589948). Experimental studies and prediction algorithms are not available or were not evaluated, and the functional significance of this variant is currently unknown. In summary, the available evidence is currently insufficient to determine the role of this variant in disease. Therefore, it has been classified as a Variant of Uncertain Significance.

Ambry Genetics
Classification: Uncertain significance. Last evaluated: 2023-08-08. Review status: criteria provided, single submitter. Criteria: Ambry Variant Classification Scheme 2023. Collection method: clinical testing. Allele origin: germline.

NM_025081.3(NYNRIN):c.969G>C (p.Arg323Ser)

Gene: NYNRIN (NYN domain and retroviral integrase containing; plus strand). Cytogenetic location: 14q12.
Variant type: single nucleotide variant.
Coding change: c.969G>C on transcript NM_025081.3 (MANE Select); coding-DNA position 969, G replaced by C.
Protein change: p.Arg323Ser; replaces arginine 323 with serine.
Molecular consequence: missense variant.
Genome position (GRCh38, 1-based): chr14:24,408,763, G>C. VCF-style: chr14-24408763-G-C. GRCh37 (hg19) VCF-style: chr14-24877969-G-C.
Other names: short protein forms R323S.
Identifiers: ClinVar variation 2589948 (VCV002589948.3), dbSNP rs113119792, ClinGen allele CA7136715.
Genomic context (GRCh38, chr14:24,408,763, plus strand): 5'-AGTGCAAGCCACCAGCAGCCAGGACTCCACGAACCACACACAAGCCTTGTTGAAGCAAAG[G>C]CAGGTCCAGAAGATAGAAGATAAACTCCTCTTCCAACCTCCAGTATCAGCCCTGGGTGTG-3'
Protein context (NP_079357.2, residues 313-333): TNHTQALLKQ[Arg323Ser]QVQKIEDKLL